The following is an entry in ClinVar:

NM_022458.4(LMBR1):c.423+4831T>A

Genes: LMBR1 (limb development membrane protein 1; minus strand), SHH (sonic hedgehog signaling molecule; minus strand), ZRS (ZPA regulatory sequence; plus strand). Cytogenetic location: 7q36.3.
Variant type: single nucleotide variant.
Coding change: c.423+4831T>A on transcript NM_022458.4 (MANE Select); 4831 bases into the intron after coding-DNA position 423, T replaced by A.
Molecular consequence: intron variant.
Genome position (GRCh38, 1-based): chr7:156,791,558, A>T on the plus strand (T>A on the coding strand, the complement: LMBR1 is on the minus strand). VCF-style: chr7-156791558-A-T. GRCh37 (hg19) VCF-style: chr7-156584252-A-T.
Other names: c.360+4831T>A (NM_001363412.2); c.144+4831T>A (NM_001350954.2); c.423+4831T>A (NM_001363410.2, NM_001363409.2, NM_001350953.2); c.-112+4831T>A (NM_001350958.2, NM_001350956.2, NM_001350955.2 and 1 more transcripts); c.54+4831T>A (NM_001350957.2, NM_001363411.2).
Identifiers: ClinVar variation 2711703 (VCV002711703.5), dbSNP rs78870926, ClinGen allele CA169823482.

ClinVar aggregate classification (germline): Likely benign. Review status: criteria provided, multiple submitters, no conflicts (2 of 4 stars). 3 submissions from 3 submitters: Likely benign (3). Last evaluated 2025-12-27.

Conditions:
SHH-related disorder. Also called: SHH-related disorders; SHH-related condition.

Allele frequency attached by ClinVar (database versions not stated): gnomAD 0.00081; TOPMed 0.00085; 1000 Genomes Project 30x 0.00094; 1000 Genomes Project 0.00100.
gnomAD v4.1: 123 of 152,322 alleles (0.081%); highest among the groups gnomAD compares: Middle Eastern, 0.34%; 1 homozygote.

Submissions (3):

Labcorp Genetics (formerly Invitae), Labcorp
Classification: Likely benign. Last evaluated: 2025-12-27. Review status: criteria provided, single submitter. Criteria: Invitae Variant Classification Sherloc (09022015). Collection method: clinical testing. Allele origin: germline.

PreventionGenetics, part of Exact Sciences
Classification: Likely benign for SHH-related condition. Last evaluated: 2025-06-25. Review status: criteria provided, single submitter. Criteria: ACMG Guidelines, 2015. Collection method: clinical testing. Allele origin: germline.
Comment: This variant is classified as likely benign based on ACMG/AMP sequence variant interpretation guidelines (Richards et al. 2015 PMID: 25741868, with internal and published modifications).

Blueprint Genetics
Classification: Likely benign. Last evaluated: 2024-09-17. Review status: criteria provided, single submitter. Criteria: ACMG Guidelines, 2015. Collection method: clinical testing. Allele origin: germline.